The following is an entry in ClinVar:

NM_001130965.3(SUN1):c.1921A>G (p.Met641Val)

Gene: SUN1 (Sad1 and UNC84 domain containing 1; plus strand). Cytogenetic location: 7p22.3.
Variant type: single nucleotide variant.
Coding change: c.1921A>G on transcript NM_001130965.3 (MANE Select); coding-DNA position 1921, A replaced by G.
Protein change: p.Met641Val; replaces methionine 641 with valine.
Molecular consequence: missense variant. On other transcripts: non-coding transcript variant (3).
Genome position (GRCh38, 1-based): chr7:866,008, A>G. VCF-style: chr7-866008-A-G. GRCh37 (hg19) VCF-style: chr7-905645-A-G.
Other names: p.Met641Val; c.1921A>G (NM_001130965.2); c.1354A>G, p.Met452Val (NM_001367708.1); c.1672A>G, p.Met558Val (NM_025154.6); c.2116A>G, p.Met706Val (NM_001367697.1, NM_001367693.1); c.2200A>G, p.Met734Val (NM_001367698.1); c.2311A>G, p.Met771Val (NM_001367699.1, NM_001367678.1); c.2131A>G, p.Met711Val (NM_001367700.1, NM_001367655.1); and 45 more; short protein forms M403V, M452V, M488V, M524V, M538V, M558V, M580V, M585V.
Identifiers: ClinVar variation 1023177 (VCV001023177.8), dbSNP rs374040275, ClinGen allele CA4112429.
Genomic context (GRCh38, chr7:866,008, plus strand): 5'-TAAGGTGGCAGCATCTTGAGTACTCGCTGTTCTGAAACTTACGAAACCAAAACGGCGCTG[A>G]TGAGTCTGTTTGGGATCCCGCTGTGGTACTTCTCGCAGTCCCCGCGCGTGGTCATCCAGG-3'
Protein context (NP_001124437.1, residues 631-651): SETYETKTAL[Met641Val]SLFGIPLWYF

ClinVar aggregate classification (germline): Conflicting classifications of pathogenicity. Review status: criteria provided, conflicting classifications (1 of 4 stars). 3 submissions from 3 submitters: Uncertain significance (2); Likely benign (1). Last evaluated 2025-07-31.

Conditions:
Emery-Dreifuss muscular dystrophy (EDMD). Also called: Scapuloperoneal syndrome, X-linked (formerly); Humeroperoneal neuromuscular disease, (formerly). Identifiers: Orphanet 261, MedGen C0410189, MONDO:0016830.

Allele frequency attached by ClinVar (database versions not stated): ExAC 0.00002; gnomAD exomes 0.00004 and 0.00008; ESP Exome Variant Server 0.00008; gnomAD 0.00010 and 0.00011; TOPMed 0.00010.
gnomAD v4.1: 135 of 1,613,966 alleles (0.0084%); highest among the groups gnomAD compares: Non-Finnish European, 0.011%; no homozygotes.

Submissions (3):

Ambry Genetics
Classification: Uncertain significance. Last evaluated: 2025-07-31. Review status: criteria provided, single submitter. Criteria: Ambry Variant Classification Scheme 2023. Collection method: clinical testing. Allele origin: germline.

Labcorp Genetics (formerly Invitae), Labcorp
Classification: Uncertain significance for Emery-Dreifuss muscular dystrophy. Last evaluated: 2025-06-23. Review status: criteria provided, single submitter. Criteria: Invitae Variant Classification Sherloc (09022015). Collection method: clinical testing. Allele origin: germline.
Comment: This sequence change replaces methionine, which is neutral and non-polar, with valine, which is neutral and non-polar, at codon 641 of the SUN1 protein (p.Met641Val). This variant is present in population databases (rs374040275, gnomAD 0.009%). This variant has not been reported in the literature in individuals affected with SUN1-related conditions. ClinVar contains an entry for this variant (Variation ID: 1023177). An algorithm developed to predict the effect of missense changes on protein structure and function outputs the following: PolyPhen-2: "Benign". The valine amino acid residue is found in multiple mammalian species, which suggests that this missense change does not adversely affect protein function. In summary, the available evidence is currently insufficient to determine the role of this variant in disease. Therefore, it has been classified as a Variant of Uncertain Significance.

Mayo Clinic Laboratories, Mayo Clinic
Classification: Likely benign. Last evaluated: 2025-01-31. Review status: criteria provided, single submitter. Criteria: ACMG Guidelines, 2015. Collection method: clinical testing. Allele origin: germline. Observed: 1 variant allele.
Comment: BP4_moderate